The following is an entry in ClinVar:

ClinVar aggregate classification (germline): Likely pathogenic (1 of 4 stars; one submission).

Conditions:
Charcot-Marie-Tooth disease, axonal, type 2LL. Identifiers: MedGen C6065954, MONDO:0980969, OMIM 621485.
Leukoencephalopathy with brain stem and spinal cord involvement-high lactate syndrome (LBSL). Also called: MITOCHONDRIAL ASPARTYL-tRNA SYNTHETASE DEFICIENCY; Leukoencephalopathy with Brainstem and Spinal Cord Involvement and Lactate Elevation; LEUKOENCEPHALOPATHY WITH BRAINSTEM AND SPINAL CORD INVOLVEMENT AND LACTATE ELEVATION, MILD. Identifiers: Orphanet 137898, MedGen C1970180, MONDO:0012622, OMIM 611105.

Submission:

Juno Genomics, Hangzhou Juno Genomics, Inc
Classification: Likely pathogenic for Charcot-Marie-Tooth disease, axonal, type 2LL; Leukoencephalopathy with brain stem and spinal cord involvement-high lactate syndrome. Review status: criteria provided, single submitter. Criteria: ACMG Guidelines, 2015. Collection method: clinical testing. Allele origin: germline.
Comment: Absent from controls (or at extremely low frequency if recessive) in Genome Aggregation Database.;Null variant in a gene where loss of function (LOF) is a known mechanism of disease.

NM_018122.5(DARS2):c.616+1G>T

Gene: DARS2 (aspartyl-tRNA synthetase 2, mitochondrial; plus strand). Cytogenetic location: 1q25.1.
Variant type: single nucleotide variant.
Coding change: c.616+1G>T on transcript NM_018122.5 (MANE Select); the canonical splice donor site of the intron after coding-DNA position 616, G replaced by T.
Molecular consequence: splice donor variant.
Genome position (GRCh38, 1-based): chr1:173,833,500, G>T. VCF-style: chr1-173833500-G-T. GRCh37 (hg19) VCF-style: chr1-173802638-G-T.
Other names: c.616+1G>T (NM_001365212.1, NM_001365213.2).
Identifiers: ClinVar variation 5019590 (VCV005019590.2).
Genomic context (GRCh38, chr1:173,833,500, plus strand): 5'-ACCTGCGACTGAGGTCCCAGATGGTCATGAAAATGCGGGAATATCTCTGTAATCTGCATG[G>T]TAAGAGAAATGCCTGGATGCTCTTTGGAGCTTTGTAGCATCTCTTCTATTTTATTCAGCA-3'